The following is an entry in ClinVar:

NM_001854.4(COL11A1):c.4643T>A (p.Ile1548Asn)

Gene: COL11A1 (collagen type XI alpha 1 chain; minus strand). Cytogenetic location: 1p21.1.
Variant type: single nucleotide variant.
Coding change: c.4643T>A on transcript NM_001854.4 (MANE Select); coding-DNA position 4643, T replaced by A.
Protein change: p.Ile1548Asn; replaces isoleucine 1548 with asparagine.
Molecular consequence: missense variant. On other transcripts: non-coding transcript variant (1).
Genome position (GRCh38, 1-based): chr1:102,887,022, A>T on the plus strand (T>A on the coding strand, the complement: COL11A1 is on the minus strand). VCF-style: chr1-102887022-A-T. GRCh37 (hg19) VCF-style: chr1-103352578-A-T.
Other names: c.4526T>A, p.Ile1509Asn (NM_001190709.2); c.4679T>A, p.Ile1560Asn (NM_080629.3); c.4295T>A, p.Ile1432Asn (NM_080630.4); short protein forms I1509N, I1432N, I1548N, I1560N.
Identifiers: ClinVar variation 3700671 (VCV003700671.2).
Genomic context (GRCh38, chr1:102,887,022, plus strand): 5'-TTATCATCTGCATCTGCTTGCATGCCTTCAGTATGTCTTCTCGTTTTTTTGGAGGACAAG[A>T]TTGGTAAAGGCTGAATGACTTCACCAGGTGGACCCTGTAAAGAAGATAATGTGAGTGCAA-3'
Protein context (NP_001845.3, residues 1538-1558): PPGEVIQPLP[Ile1548Asn]LSSKKTRRHT

ClinVar aggregate classification (germline): Uncertain significance (1 of 4 stars; one submission).

Submission:

Labcorp Genetics (formerly Invitae), Labcorp
Classification: Uncertain significance. Last evaluated: 2025-03-13. Review status: criteria provided, single submitter. Criteria: Invitae Variant Classification Sherloc (09022015). Collection method: clinical testing. Allele origin: germline.
Comment: This sequence change replaces isoleucine, which is neutral and non-polar, with asparagine, which is neutral and polar, at codon 1548 of the COL11A1 protein (p.Ile1548Asn). This variant is not present in population databases (gnomAD no frequency). This variant has not been reported in the literature in individuals affected with COL11A1-related conditions. Invitae Evidence Modeling of protein sequence and biophysical properties (such as structural, functional, and spatial information, amino acid conservation, physicochemical variation, residue mobility, and thermodynamic stability) indicates that this missense variant is not expected to disrupt COL11A1 protein function with a negative predictive value of 80%. In summary, the available evidence is currently insufficient to determine the role of this variant in disease. Therefore, it has been classified as a Variant of Uncertain Significance.